The following is an entry in ClinVar:

NM_005857.5(ZMPSTE24):c.644A>G (p.Tyr215Cys)

Gene: ZMPSTE24 (zinc metallopeptidase STE24; plus strand). Cytogenetic location: 1p34.2.
Variant type: single nucleotide variant.
Coding change: c.644A>G on transcript NM_005857.5 (MANE Select); coding-DNA position 644, A replaced by G.
Protein change: p.Tyr215Cys; replaces tyrosine 215 with cysteine.
Molecular consequence: missense variant.
Genome position (GRCh38, 1-based): chr1:40,271,910, A>G. VCF-style: chr1-40271910-A-G. GRCh37 (hg19) VCF-style: chr1-40737582-A-G.
Other names: short protein forms Y215C.
Identifiers: ClinVar variation 497759 (VCV000497759.9), dbSNP rs756256692, ClinGen allele CA21037685.

ClinVar aggregate classification (germline): Uncertain significance. Review status: criteria provided, multiple submitters, no conflicts (2 of 4 stars). 2 submissions from 2 submitters: Uncertain significance (2). Last evaluated 2022-08-16.

Allele frequency attached by ClinVar (database versions not stated): gnomAD exomes 0.00001 and 0.00002; gnomAD 0.00002 and 0.00003; TOPMed 0.00002.
gnomAD v4.1: 35 of 1,613,542 alleles (0.0022%); highest among the groups gnomAD compares: African/African-American, 0.0027%; no homozygotes.

Submissions (2):

Labcorp Genetics (formerly Invitae), Labcorp
Classification: Uncertain significance. Last evaluated: 2022-08-16. Review status: criteria provided, single submitter. Criteria: Invitae Variant Classification Sherloc (09022015). Collection method: clinical testing. Allele origin: germline.
Comment: This sequence change replaces tyrosine, which is neutral and polar, with cysteine, which is neutral and slightly polar, at codon 215 of the ZMPSTE24 protein (p.Tyr215Cys). This variant is present in population databases (rs756256692, gnomAD 0.007%). This variant has not been reported in the literature in individuals affected with ZMPSTE24-related conditions. ClinVar contains an entry for this variant (Variation ID: 497759). Algorithms developed to predict the effect of missense changes on protein structure and function are either unavailable or do not agree on the potential impact of this missense change (SIFT: "Not Available"; PolyPhen-2: "Probably Damaging"; Align-GVGD: "Not Available"). In summary, the available evidence is currently insufficient to determine the role of this variant in disease. Therefore, it has been classified as a Variant of Uncertain Significance.

Eurofins Ntd Llc (ga)
Classification: Uncertain significance. Last evaluated: 2016-11-15. Review status: criteria provided, single submitter. Criteria: EGL Classification Definitions 2015. Collection method: clinical testing. Allele origin: germline. Observed: 1 variant allele, 1 heterozygote.